The following is an entry in ClinVar:

NM_020987.5(ANK3):c.11645C>T (p.Ser3882Leu)

Gene: ANK3 (ankyrin 3; minus strand). Cytogenetic location: 10q21.2.
Variant type: single nucleotide variant.
Coding change: c.11645C>T on transcript NM_020987.5 (MANE Select); coding-DNA position 11645, C replaced by T.
Protein change: p.Ser3882Leu; replaces serine 3882 with leucine.
Molecular consequence: missense variant. On other transcripts: intron variant (4).
Genome position (GRCh38, 1-based): chr10:60,069,236, G>A on the plus strand (C>T on the coding strand, the complement: ANK3 is on the minus strand). VCF-style: chr10-60069236-G-A. GRCh37 (hg19) VCF-style: chr10-61828994-G-A.
Other names: c.4388-1227C>T (NM_001204403.2); c.4409-1227C>T (NM_001204404.2); c.4406-1227C>T (NM_001320874.2); c.1808-1227C>T (NM_001149.4); short protein forms S3882L.
Identifiers: ClinVar variation 4885604 (VCV004885604.2).

ClinVar aggregate classification (germline): Uncertain significance (1 of 4 stars; one submission).

gnomAD v4.1: 1 of 1,614,170 alleles (0.000062%); highest among the groups gnomAD compares: East Asian, 0.0022%; no homozygotes.

Submission:

Dasa
Classification: Uncertain significance. Last evaluated: 2025-04-14. Review status: criteria provided, single submitter. Criteria: DASA Assertion Criteria. Collection method: clinical testing. Allele origin: germline.
Comment: NM_020987.5(ANK3):c.11645C>T (p.Ser3882Leu) is a missense variant that results in the substitution of serine with leucine. This variant is rare in population databases. Computational prediction algorithms are consistent with a benign effect. The currently available literature and clinical evidence are not sufficient to establish a definitive association between this variant and the reported condition. Therefore, this variant is classified as a variant of uncertain significance.